The following is an entry in ClinVar:

ClinVar aggregate classification (germline): Uncertain significance (1 of 4 stars; one submission).

gnomAD v4.1: 1 of 1,613,504 alleles (0.000062%); highest among the groups gnomAD compares: Admixed American, 0.0017%; no homozygotes.

Submission:

Labcorp Genetics (formerly Invitae), Labcorp
Classification: Uncertain significance. Last evaluated: 2025-04-14. Review status: criteria provided, single submitter. Criteria: Invitae Variant Classification Sherloc (09022015). Collection method: clinical testing. Allele origin: germline.
Comment: This sequence change replaces leucine, which is neutral and non-polar, with proline, which is neutral and non-polar, at codon 877 of the GRIN2D protein (p.Leu877Pro). This variant is present in population databases (rs751778857, gnomAD 0.003%). This variant has not been reported in the literature in individuals affected with GRIN2D-related conditions. ClinVar contains an entry for this variant (Variation ID: 3690056). Invitae Evidence Modeling of protein sequence and biophysical properties (such as structural, functional, and spatial information, amino acid conservation, physicochemical variation, residue mobility, and thermodynamic stability) indicates that this missense variant is not expected to disrupt GRIN2D protein function with a negative predictive value of 95%. In summary, the available evidence is currently insufficient to determine the role of this variant in disease. Therefore, it has been classified as a Variant of Uncertain Significance.

NM_000836.4(GRIN2D):c.2630T>C (p.Leu877Pro)

Gene: GRIN2D (glutamate ionotropic receptor NMDA type subunit 2D; plus strand). Cytogenetic location: 19q13.33.
Variant type: single nucleotide variant.
Coding change: c.2630T>C on transcript NM_000836.4 (MANE Select); coding-DNA position 2630, T replaced by C.
Protein change: p.Leu877Pro; replaces leucine 877 with proline.
Molecular consequence: missense variant.
Genome position (GRCh38, 1-based): chr19:48,442,339, T>C. VCF-style: chr19-48442339-T-C. GRCh37 (hg19) VCF-style: chr19-48945596-T-C.
Other names: short protein forms L877P.
Identifiers: ClinVar variation 3690056 (VCV003690056.2).